The following is an entry in ClinVar:

NM_022124.6(CDH23):c.1733C>G (p.Thr578Arg)

Gene: CDH23 (cadherin related 23; plus strand). Cytogenetic location: 10q22.1.
Variant type: single nucleotide variant.
Coding change: c.1733C>G on transcript NM_022124.6 (MANE Select); coding-DNA position 1733, C replaced by G.
Protein change: p.Thr578Arg; replaces threonine 578 with arginine.
Molecular consequence: missense variant.
Genome position (GRCh38, 1-based): chr10:71,677,674, C>G. VCF-style: chr10-71677674-C-G. GRCh37 (hg19) VCF-style: chr10-73437431-C-G.
Other names: c.1733C>G, p.Thr578Arg (NM_001171930.2, NM_001171931.2); short protein forms T578R.
Identifiers: ClinVar variation 1051059 (VCV001051059.2), dbSNP rs1449268943, ClinGen allele CA377130720.

ClinVar aggregate classification (germline): Uncertain significance (1 of 4 stars; one submission).

Allele frequency attached by ClinVar (database versions not stated): TOPMed 0.00001.
gnomAD v4.1: 1 of 1,566,198 alleles (0.000064%); no homozygotes.

Submission:

Labcorp Genetics (formerly Invitae), Labcorp
Classification: Uncertain significance. Last evaluated: 2021-08-28. Review status: criteria provided, single submitter. Criteria: Invitae Variant Classification Sherloc (09022015). Collection method: clinical testing. Allele origin: germline.
Comment: This sequence change replaces threonine with arginine at codon 578 of the CDH23 protein (p.Thr578Arg). The threonine residue is highly conserved and there is a moderate physicochemical difference between threonine and arginine. This variant is not present in population databases (ExAC no frequency). This variant has not been reported in the literature in individuals affected with CDH23-related conditions. Algorithms developed to predict the effect of missense changes on protein structure and function are either unavailable or do not agree on the potential impact of this missense change (SIFT: "Deleterious"; PolyPhen-2: "Not Available"; Align-GVGD: "Class C25"). In summary, the available evidence is currently insufficient to determine the role of this variant in disease. Therefore, it has been classified as a Variant of Uncertain Significance.